The following is an entry in ClinVar:

NM_001114753.3(ENG):c.1603_1608del (p.His535_Phe536del)

Genes: ENG (endoglin; minus strand), LOC102723566 (uncharacterized LOC102723566; plus strand). Cytogenetic location: 9q34.11.
Variant type: Deletion.
Coding change: c.1603_1608del on transcript NM_001114753.3 (MANE Select); coding-DNA positions 1603 to 1608, 6 bases deleted (CACTTC; older notation c.1603_1608delCACTTC).
Protein change: p.His535_Phe536del.
Molecular consequence: inframe deletion.
Genome position (GRCh38, 1-based): chr9:127,818,198-127,818,203, GAAGTG deleted on the plus strand (CACTTC on the coding strand, the reverse complement: ENG is on the minus strand); deleting any 6 consecutive bases within chr9:127,818,198-127,818,205 gives the same sequence; the c. name uses the placement nearest the transcript's 3' end. VCF-style (leftmost placement, unchanged base first): chr9-127818197-AGAAGTG-A. GRCh37 (hg19) VCF-style: chr9-130580476-AGAAGTG-A.
Other names: c.1603_1608del, p.His535_Phe536del (NM_000118.4); c.1057_1062del, p.His353_Phe354del (NM_001278138.2).
Identifiers: ClinVar variation 2761232 (VCV002761232.3), dbSNP rs2539059318, ClinGen allele CA2579461352.
Genomic context (GRCh38, chr9:127,818,197, plus strand): 5'-TCTTGGGACGCAGGGCTACCGTGCAGCTGAGGGTGCCGGTTTTGGGTATGGGTACTGTGT[AGAAGTG>A]GAGGAGGAAGCTGAAGCGCGGGTCACCCTCGGGGCTTGGGGACAGCAGGCTCACACAGTT-3'

ClinVar aggregate classification (germline): Uncertain significance (1 of 4 stars; one submission).

Conditions:
Hereditary hemorrhagic telangiectasia (HHT). Also called: ORW DISEASE; Osler Weber Rendu syndrome; OSLER-RENDU-WEBER DISEASE; Osler hemorrhagic telangiectasia syndrome. Identifiers: Orphanet 774, MedGen C0039445, MONDO:0019180. Disease mechanism: loss of function.

Submission:

Labcorp Genetics (formerly Invitae), Labcorp
Classification: Uncertain significance for Hereditary hemorrhagic telangiectasia. Last evaluated: 2022-11-13. Review status: criteria provided, single submitter. Criteria: Invitae Variant Classification Sherloc (09022015). Collection method: clinical testing. Allele origin: germline.
Comment: This variant, c.1603_1608del, results in the deletion of 2 amino acid(s) of the ENG protein (p.His535_Phe536del), but otherwise preserves the integrity of the reading frame. This variant is not present in population databases (gnomAD no frequency). This variant has not been reported in the literature in individuals affected with ENG-related conditions. Experimental studies and prediction algorithms are not available or were not evaluated, and the functional significance of this variant is currently unknown. Algorithms developed to predict the effect of sequence changes on RNA splicing suggest that this variant may disrupt the consensus splice site. In summary, the available evidence is currently insufficient to determine the role of this variant in disease. Therefore, it has been classified as a Variant of Uncertain Significance.